The following is an entry in ClinVar:

ClinVar aggregate classification (germline): Likely benign (1 of 4 stars; one submission).

Submission:

Mayo Clinic Laboratories, Mayo Clinic
Classification: Likely benign. Last evaluated: 2025-09-05. Review status: criteria provided, single submitter. Criteria: ACMG Guidelines, 2015. Collection method: clinical testing. Allele origin: germline. Observed: 2 variant alleles.
Comment: BP4, BP7

NM_030787.4(CFHR5):c.1425G>A (p.Thr475=)

Gene: CFHR5 (complement factor H related 5; plus strand). Cytogenetic location: 1q31.3.
Variant type: single nucleotide variant.
Coding change: c.1425G>A on transcript NM_030787.4 (MANE Select); coding-DNA position 1425, G replaced by A.
Protein change: p.Thr475=; no amino-acid change (threonine 475 retained).
Molecular consequence: synonymous variant.
Genome position (GRCh38, 1-based): chr1:197,004,755, G>A. VCF-style: chr1-197004755-G-A. GRCh37 (hg19) VCF-style: chr1-196973885-G-A.
Other names: p.Thr475=.
Identifiers: ClinVar variation 4684037 (VCV004684037.1).
Genomic context (GRCh38, chr1:197,004,755, plus strand): 5'-TAACAATGGAGATACCACCTCATTCCCATTATCAGTATATCCTCCAGGGTCAACAGTGAC[G>A]TACCGTTGCCAGTCCTTCTATAAACTCCAGGGCTCTGTAACTGTAACATGCAGAAATAAA-3'
Protein context (NP_110414.1, residues 465-485): LSVYPPGSTV[Thr475=]YRCQSFYKLQ